The following is an entry in ClinVar:

ClinVar aggregate classification (germline): Pathogenic (1 of 4 stars; one submission).

Conditions:
Deficiency of isobutyryl-CoA dehydrogenase. Also called: ACYL-CoA DEHYDROGENASE FAMILY, MEMBER 8, DEFICIENCY OF; IBD DEFICIENCY; ACAD8 DEFICIENCY. Identifiers: Orphanet 79159, MedGen C1969809, MONDO:0012648, OMIM 611283.

gnomAD v4.1: 15 of 1,613,998 alleles (0.00093%); highest among the groups gnomAD compares: Admixed American, 0.0067%; no homozygotes.

Submission:

Labcorp Genetics (formerly Invitae), Labcorp
Classification: Pathogenic for Deficiency of isobutyryl-CoA dehydrogenase. Last evaluated: 2025-02-04. Review status: criteria provided, single submitter. Criteria: Invitae Variant Classification Sherloc (09022015). Collection method: clinical testing. Allele origin: germline.
Comment: This sequence change creates a premature translational stop signal (p.Arg58*) in the ACAD8 gene. It is expected to result in an absent or disrupted protein product. Loss-of-function variants in ACAD8 are known to be pathogenic (PMID: 16857760). This variant is present in population databases (rs781149925, gnomAD 0.006%). This premature translational stop signal has been observed in individual(s) with isobutyryl-CoA dehydrogenase deficiency (PMID: 36662638). Algorithms developed to predict the effect of sequence changes on RNA splicing suggest that this variant may disrupt the consensus splice site. For these reasons, this variant has been classified as Pathogenic.

Literature cited by the submitters: PubMed 16857760; PubMed 36662638.

NM_014384.3(ACAD8):c.172C>T (p.Arg58Ter)

Gene: ACAD8 (acyl-CoA dehydrogenase family member 8; plus strand). Cytogenetic location: 11q25.
Variant type: single nucleotide variant.
Coding change: c.172C>T on transcript NM_014384.3 (MANE Select); coding-DNA position 172, C replaced by T.
Protein change: p.Arg58Ter; replaces arginine 58 with a stop codon.
Molecular consequence: nonsense. On other transcripts: synonymous variant (1).
Genome position (GRCh38, 1-based): chr11:134,256,610, C>T. VCF-style: chr11-134256610-C-T. GRCh37 (hg19) VCF-style: chr11-134126504-C-T.
Other names: c.172C>T, p.Arg58Ter (NM_001441136.1, NM_001441137.1); c.48C>T, p.Pro16= (NM_001441138.1); short protein forms R58*.
Identifiers: ClinVar variation 4692000 (VCV004692000.1).